The following is an entry in ClinVar:

NM_002047.4(GARS1):c.471G>C (p.Leu157Phe)

Gene: GARS1 (glycyl-tRNA synthetase 1; plus strand). Cytogenetic location: 7p14.3.
Variant type: single nucleotide variant.
Coding change: c.471G>C on transcript NM_002047.4 (MANE Select); coding-DNA position 471, G replaced by C.
Protein change: p.Leu157Phe; replaces leucine 157 with phenylalanine.
Molecular consequence: missense variant.
Genome position (GRCh38, 1-based): chr7:30,601,102, G>C. VCF-style: chr7-30601102-G-C. GRCh37 (hg19) VCF-style: chr7-30640718-G-C.
Other names: c.471G>C (LRG_243t1, NM_002047.3); c.309G>C, p.Leu103Phe (NM_001316772.1); short protein forms L157F, L103F.
Identifiers: ClinVar variation 476758 (VCV000476758.52), dbSNP rs367915362, ClinGen allele CA4205715.

ClinVar aggregate classification (germline): Uncertain significance. Review status: criteria provided, multiple submitters, no conflicts (2 of 4 stars). 5 submissions from 5 submitters: Uncertain significance (5). Last evaluated 2025-03-26.

Conditions:
Charcot-Marie-Tooth disease type 2. Also called: Charcot-Marie-Tooth type 2. Identifiers: Orphanet 64746, MedGen C0270914, MONDO:0018993.
GARS1-related disorder. Also called: GARS1-related condition.

Allele frequency attached by ClinVar (database versions not stated): gnomAD 0.00001; gnomAD exomes 0.00001 and 0.00002; TOPMed 0.00001; ExAC 0.00002; ESP Exome Variant Server 0.00008.

Submissions (5):

Labcorp Genetics (formerly Invitae), Labcorp
Classification: Uncertain significance for Charcot-Marie-Tooth disease type 2. Last evaluated: 2025-03-26. Review status: criteria provided, single submitter. Criteria: Invitae Variant Classification Sherloc (09022015). Collection method: clinical testing. Allele origin: germline.
Comment: This sequence change replaces leucine, which is neutral and non-polar, with phenylalanine, which is neutral and non-polar, at codon 157 of the GARS protein (p.Leu157Phe). This variant is present in population databases (rs367915362, gnomAD 0.006%). This variant has not been reported in the literature in individuals affected with GARS-related conditions. ClinVar contains an entry for this variant (Variation ID: 476758). Invitae Evidence Modeling of protein sequence and biophysical properties (such as structural, functional, and spatial information, amino acid conservation, physicochemical variation, residue mobility, and thermodynamic stability) indicates that this missense variant is not expected to disrupt GARS protein function with a negative predictive value of 80%. In summary, the available evidence is currently insufficient to determine the role of this variant in disease. Therefore, it has been classified as a Variant of Uncertain Significance.

PreventionGenetics, part of Exact Sciences
Classification: Uncertain significance for GARS1-related condition. Last evaluated: 2025-03-03. Review status: criteria provided, single submitter. Criteria: ACMG Guidelines, 2015. Collection method: clinical testing. Allele origin: germline.
Comment: The GARS1 c.471G>C variant is predicted to result in the amino acid substitution p.Leu157Phe. To our knowledge, this variant has not been reported in the literature. This variant is reported in 0.0058% of alleles in individuals of Latino descent in gnomAD. At this time, the clinical significance of this variant is uncertain due to the absence of conclusive functional and genetic evidence.

Ambry Genetics
Classification: Uncertain significance. Last evaluated: 2022-06-13. Review status: criteria provided, single submitter. Criteria: Ambry Variant Classification Scheme 2023. Collection method: clinical testing. Allele origin: germline.

GeneDx
Classification: Uncertain significance. Last evaluated: 2020-10-01. Review status: criteria provided, single submitter. Criteria: GeneDx Variant Classification Process June 2021. Collection method: clinical testing. Allele origin: germline. Affected: yes.
Comment: Not observed at a significant frequency in large population cohorts (Lek et al., 2016); In silico analysis, which includes protein predictors and evolutionary conservation, supports that this variant does not alter protein structure/function; Has not been previously published as pathogenic or benign to our knowledge

CeGaT Center for Human Genetics Tuebingen
Classification: Uncertain significance. Last evaluated: 2017-10-01. Review status: criteria provided, single submitter. Criteria: CeGaT Center For Human Genetics Tuebingen Variant Classification Criteria Version 2. Collection method: clinical testing. Allele origin: germline. Affected: yes. Observed: 1 variant allele.